The following is an entry in ClinVar:

ClinVar aggregate classification (germline): Uncertain significance (1 of 4 stars; one submission).

Submission:

Labcorp Genetics (formerly Invitae), Labcorp
Classification: Uncertain significance. Last evaluated: 2025-11-19. Review status: criteria provided, single submitter. Criteria: Invitae Variant Classification Sherloc (09022015). Collection method: clinical testing. Allele origin: germline.
Comment: This sequence change replaces proline, which is neutral and non-polar, with arginine, which is basic and polar, at codon 759 of the TAOK2 protein (p.Pro759Arg). This variant is not present in population databases (gnomAD no frequency). This variant has not been reported in the literature in individuals affected with TAOK2-related conditions. An algorithm developed to predict the effect of missense changes on protein structure and function (PolyPhen-2) suggests that this variant is likely to be tolerated. In summary, the available evidence is currently insufficient to determine the role of this variant in disease. Therefore, it has been classified as a Variant of Uncertain Significance.

NM_016151.4(TAOK2):c.2276C>G (p.Pro759Arg)

Gene: TAOK2 (TAO kinase 2; plus strand). Cytogenetic location: 16p11.2.
Variant type: single nucleotide variant.
Coding change: c.2276C>G on transcript NM_016151.4 (MANE Select); coding-DNA position 2276, C replaced by G.
Protein change: p.Pro759Arg; replaces proline 759 with arginine.
Molecular consequence: missense variant. On other transcripts: intron variant (2).
Genome position (GRCh38, 1-based): chr16:29,986,548, C>G. VCF-style: chr16-29986548-C-G. GRCh37 (hg19) VCF-style: chr16-29997869-C-G.
Other names: c.2232+44C>G (NM_004783.4, NM_001252043.2); short protein forms P759R.
Identifiers: ClinVar variation 4742690 (VCV004742690.1).